The following is an entry in ClinVar:

ClinVar aggregate classification (germline): Likely pathogenic. Review status: reviewed by expert panel (3 of 4 stars). 4 submissions from 4 submitters: Likely pathogenic (1). 3 of the submissions do not count toward it. Last evaluated 2025-09-23.

Conditions:
Early-infantile DEE. Also called: Early infantile epileptic encephalopathy with suppression bursts; Early infantile epileptic encephalopathy; Ohtahara syndrome. Identifiers: Orphanet 1934, MedGen C0393706, MONDO:0800491.
Complex neurodevelopmental disorder. Identifiers: Orphanet 528084, MedGen C5568766, MONDO:0100038.
Developmental and epileptic encephalopathy, 13 (DEE13). Also called: SCN8A-Related Epilepsy; Developmental and Epileptic Encephalopathy (SCN8A-DEE); Early infantile epileptic encephalopathy 13. Identifiers: Orphanet 442835, MedGen C3281191, MONDO:0013801, OMIM 614558.

Submissions (4):

ClinGen Epilepsy Sodium Channel Variant Curation Expert Panel, Clingen
Classification: Likely pathogenic for Complex neurodevelopmental disorder. Last evaluated: 2025-09-23. Review status: reviewed by expert panel. Criteria: ClinGen EpilepsySCN ACMG Specifications SCN8A V2.0.0. Collection method: curation. Allele origin: germline. Inheritance: Autosomal dominant inheritance.
Comment: The NM_001330260.2:c.2534C>T variant in SCN8A is a missense variant predicted to cause substitution of serine by phenylalanine at amino acid 845 (p.Ser845Phe). This variant has been identified as a de novo occurrence with confirmed parental relationships in 1 individual and as a de novo occurrence with unconfirmed parental relationships in 2 individuals, all of whom meet criteria for a complex neurodevelopmental disorder (PS2_Moderate, PM6_Moderate; PMID 37853563, 29655203, internal lab contributors). This variant is absent from gnomAD v4.1.0 (PM2_Supporting). The computational predictor REVEL gives a score of 0.952, which is above the threshold of 0.773, evidence that correlates with impact to SCN8A function (PP3_Moderate). This variant resides within a region, amino acids 844-852, of SCN8A that is defined as a mutational hotspot and/or critical functional domain by the ClinGen Epilepsy Sodium Channel VCEP (PM1). In summary, this variant meets the criteria to be classified as likely pathogenic for autosomal dominant complex neurodevelopmental disorder based on the ACMG/AMP criteria applied, as specified by the ClinGen Epilepsy Sodium Channel VCEP: PS2_Moderate, PM1, PP3_Moderate, PM2_Supporting, PM6_Moderate. (ClinGen Epilepsy Sodium Channel Expert Panel Specifications to the ACMG/AMP Variant Interpretation Guidelines for SCN8A Version 2.0.0, approved 1/7/2025).

Labcorp Genetics (formerly Invitae), Labcorp
Classification: Uncertain significance for Early-infantile DEE. Last evaluated: 2023-11-27. Review status: criteria provided, single submitter. Criteria: Invitae Variant Classification Sherloc (09022015). Collection method: clinical testing. Allele origin: germline. Not counted in ClinVar's aggregate classification.
Comment: This sequence change replaces serine, which is neutral and polar, with phenylalanine, which is neutral and non-polar, at codon 845 of the SCN8A protein (p.Ser845Phe). This variant is not present in population databases (gnomAD no frequency). This missense change has been observed in individual(s) with clinical features of SCN8A-related conditions (PMID: 29655203). ClinVar contains an entry for this variant (Variation ID: 207109). Advanced modeling of protein sequence and biophysical properties (such as structural, functional, and spatial information, amino acid conservation, physicochemical variation, residue mobility, and thermodynamic stability) performed at Invitae indicates that this missense variant is expected to disrupt SCN8A protein function with a positive predictive value of 95%. In summary, the available evidence is currently insufficient to determine the role of this variant in disease. Therefore, it has been classified as a Variant of Uncertain Significance.

Duke University Health System Sequencing Clinic, Duke University Health System
Classification: Likely pathogenic for Developmental and epileptic encephalopathy, 13. Last evaluated: 2023-04-20. Review status: criteria provided, single submitter. Criteria: ACMG Guidelines, 2015. Collection method: research. Allele origin: de novo. Affected: yes. Not counted in ClinVar's aggregate classification.

GeneDx
Classification: Likely pathogenic. Last evaluated: 2019-09-30. Review status: criteria provided, single submitter. Criteria: GeneDx Variant Classification Process June 2021. Collection method: clinical testing. Allele origin: germline. Affected: yes. Not counted in ClinVar's aggregate classification.
Comment: The majority of missense variants in this gene are considered pathogenic (Stenson et al., 2014); In silico analysis, which includes protein predictors and evolutionary conservation, supports a deleterious effect; Not observed in large population cohorts (Lek et al., 2016); This variant is associated with the following publications: (PMID: 29655203)

Literature cited by the submitters: PubMed 29655203 (cited by Labcorp Genetics (formerly Invitae), Labcorp).

NM_001330260.2(SCN8A):c.2534C>T (p.Ser845Phe)

Gene: SCN8A (sodium voltage-gated channel alpha subunit 8; plus strand). Cytogenetic location: 12q13.13.
Variant type: single nucleotide variant.
Coding change: c.2534C>T on transcript NM_001330260.2 (MANE Select); coding-DNA position 2534, C replaced by T.
Protein change: p.Ser845Phe; replaces serine 845 with phenylalanine.
Molecular consequence: missense variant.
Genome position (GRCh38, 1-based): chr12:51,762,666, C>T. VCF-style: chr12-51762666-C-T. GRCh37 (hg19) VCF-style: chr12-52156450-C-T.
Other names: p.S845F:TCT>TTT; NM_001330260.2(SCN8A):c.2534C>T; p.Ser845Phe; c.2534C>T, p.Ser845Phe (NM_001177984.3, NM_001369788.1, NM_014191.4); short protein forms S845F.
Identifiers: ClinVar variation 207109 (VCV000207109.11), dbSNP rs796053210, ClinGen allele CA318256.